The following is an entry in ClinVar:

ClinVar aggregate classification (germline): Uncertain significance (0 of 4 stars; one submission).

Conditions:
ATP2B3-related disorder. Also called: ATP2B3-related condition.

Allele frequency attached by ClinVar (database versions not stated): gnomAD exomes below 0.00001; gnomAD 0.00001; TOPMed 0.00001.
gnomAD v4.1: 4 of 1,210,451 alleles (0.00033%); highest among the groups gnomAD compares: South Asian, 0.0018%; no homozygotes.

Submission:

PreventionGenetics, part of Exact Sciences
Classification: Uncertain significance for ATP2B3-related condition. Last evaluated: 2023-10-18. Review status: no assertion criteria provided. Collection method: clinical testing. Allele origin: germline.
Comment: The ATP2B3 c.3436G>A variant is predicted to result in the amino acid substitution p.Glu1146Lys. To our knowledge, this variant has not been reported in the literature or in a large population database, indicating this variant is rare. At this time, the clinical significance of this variant is uncertain due to the absence of conclusive functional and genetic evidence.

NM_001001344.3(ATP2B3):c.3436G>A (p.Glu1146Lys)

Gene: ATP2B3 (ATPase plasma membrane Ca2+ transporting 3; plus strand). Cytogenetic location: Xq28.
Variant type: single nucleotide variant.
Coding change: c.3436G>A on transcript NM_001001344.3 (MANE Select); coding-DNA position 3436, G replaced by A.
Protein change: p.Glu1146Lys; replaces glutamic acid 1146 with lysine.
Molecular consequence: missense variant. On other transcripts: 3 prime UTR variant (2).
Genome position (GRCh38, 1-based): chrX:153,580,071, G>A. VCF-style: chrX-153580071-G-A. GRCh37 (hg19) VCF-style: chrX-152845529-G-A.
Other names: c.*68G>A (NM_001388360.1, NM_021949.4); c.3436G>A, p.Glu1146Lys (NM_001388361.1); short protein forms E1146K.
Identifiers: ClinVar variation 3043980 (VCV003043980.2), dbSNP rs1364282837, ClinGen allele CA415082958.